The following is an entry in ClinVar:

ClinVar aggregate classification (germline): Uncertain significance. Review status: criteria provided, multiple submitters, no conflicts (2 of 4 stars). 6 submissions from 6 submitters: Uncertain significance (6). Last evaluated 2024-11-11.

Conditions:
DSP-related disorder. Also called: DSP-related disorders; DSP-related condition.
Cardiovascular phenotype. Identifiers: MedGen CN230736.
Cardiomyopathy, dilated, with wooly hair, keratoderma, and tooth agenesis. Also called: Cardiomyopathy, dilated, with woolly hair, keratoderma, and tooth agenesis; Erythrokeratodermia-cardiomyopathy syndrome. Identifiers: Orphanet 476096, Orphanet 65282, MedGen C4014393, MONDO:0014355, OMIM 615821.
Woolly hair-skin fragility syndrome (WHSF). Identifiers: Orphanet 293165, MedGen C1843292, MONDO:0957307, OMIM 620415.
Lethal acantholytic epidermolysis bullosa (EBLA). Identifiers: Orphanet 158687, MedGen C1864826, MONDO:0012323, OMIM 609638.
Arrhythmogenic cardiomyopathy with wooly hair and keratoderma. Also called: PALMOPLANTAR KERATODERMA WITH LEFT VENTRICULAR CARDIOMYOPATHY AND WOOLLY HAIR; Carvajal syndrome; Arrhythmogenic cardiomyopathy with woolly hair and keratoderma; Dilated cardiomyopathy with woolly hair and keratoderma. Identifiers: Orphanet 65282, MedGen C1854063, MONDO:0011581, OMIM 605676.
Keratosis palmoplantaris striata 2. Also called: KERATODERMA, PALMOPLANTAR, STRIATE FORM II; STRIATE PALMOPLANTAR KERATODERMA II; Keratosis palmoplantaris striata II. Identifiers: MedGen C1852127, MONDO:0013034, OMIM 612908.
Arrhythmogenic right ventricular dysplasia 8 (ARVD8). Also called: ARRHYTHMOGENIC RIGHT VENTRICULAR DYSPLASIA, FAMILIAL, 8; ARRHYTHMOGENIC RIGHT VENTRICULAR CARDIOMYOPATHY 8; Arrhythmogenic Right Ventricular Dysplasia/Cardiomyopathy 8. Identifiers: MedGen C1843896, MONDO:0011831, OMIM 607450.
Cardiomyopathy (CMYO). Also called: Cardiomyopathies. Identifiers: Orphanet 167848, MedGen C0878544, MONDO:0004994, HP:0001638. Inheritance: Various modes of inheritance.

Allele frequency attached by ClinVar (database versions not stated): gnomAD 0.00001; gnomAD exomes 0.00002; TOPMed 0.00002.
gnomAD v4.1: 27 of 1,613,324 alleles (0.0017%); highest among the groups gnomAD compares: Non-Finnish European, 0.0023%; no homozygotes.

Submissions (6):

PreventionGenetics, part of Exact Sciences
Classification: Uncertain significance for DSP-related condition. Last evaluated: 2024-11-11. Review status: criteria provided, single submitter. Criteria: ACMG Guidelines, 2015. Collection method: clinical testing. Allele origin: germline.
Comment: The DSP c.1136T>C variant is predicted to result in the amino acid substitution p.Phe379Ser. To our knowledge, this variant has not been reported in the literature or in a large population database, indicating this variant is rare. At this time, the clinical significance of this variant is uncertain due to the absence of conclusive functional and genetic evidence.

Ambry Genetics
Classification: Uncertain significance for Cardiovascular phenotype. Last evaluated: 2024-07-31. Review status: criteria provided, single submitter. Criteria: Ambry Variant Classification Scheme 2023. Collection method: clinical testing. Allele origin: germline.
Comment: The p.F379S variant (also known as c.1136T>C), located in coding exon 9 of the DSP gene, results from a T to C substitution at nucleotide position 1136. The phenylalanine at codon 379 is replaced by serine, an amino acid with highly dissimilar properties. This amino acid position is highly conserved in available vertebrate species. In addition, the in silico prediction for this alteration is inconclusive. Based on the available evidence, the clinical significance of this variant remains unclear.

Labcorp Genetics (formerly Invitae), Labcorp
Classification: Uncertain significance for Arrhythmogenic cardiomyopathy with wooly hair and keratoderma; Arrhythmogenic right ventricular dysplasia 8. Last evaluated: 2024-04-03. Review status: criteria provided, single submitter. Criteria: Invitae Variant Classification Sherloc (09022015). Collection method: clinical testing. Allele origin: germline.
Comment: This sequence change replaces phenylalanine, which is neutral and non-polar, with serine, which is neutral and polar, at codon 379 of the DSP protein (p.Phe379Ser). This variant is not present in population databases (gnomAD no frequency). This variant has not been reported in the literature in individuals affected with DSP-related conditions. ClinVar contains an entry for this variant (Variation ID: 421357). An algorithm developed to predict the effect of missense changes on protein structure and function (PolyPhen-2) suggests that this variant is likely to be disruptive. In summary, the available evidence is currently insufficient to determine the role of this variant in disease. Therefore, it has been classified as a Variant of Uncertain Significance.

Color Diagnostics, LLC DBA Color Health
Classification: Uncertain significance for Cardiomyopathy. Last evaluated: 2024-03-06. Review status: criteria provided, single submitter. Criteria: ACMG Guidelines, 2015. Collection method: clinical testing. Allele origin: germline.
Comment: This missense variant replaces phenylalanine with serine at codon 379 of the DSP protein. Computational prediction is inconclusive regarding the impact of this variant on protein structure and function (internally defined REVEL score threshold 0.5 < inconclusive < 0.7, PMID: 27666373). To our knowledge, functional studies have not been reported for this variant. This variant has not been reported in individuals affected with cardiovascular disorders in the literature. This variant has not been identified in the general population by the Genome Aggregation Database (gnomAD). The available evidence is insufficient to determine the role of this variant in disease conclusively. Therefore, this variant is classified as a Variant of Uncertain Significance.

Fulgent Genetics
Classification: Uncertain significance for Arrhythmogenic cardiomyopathy with wooly hair and keratoderma; Arrhythmogenic right ventricular dysplasia 8; Lethal acantholytic epidermolysis bullosa; Keratosis palmoplantaris striata 2; Cardiomyopathy, dilated, with wooly hair, keratoderma, and tooth agenesis. Last evaluated: 2021-08-27. Review status: criteria provided, single submitter. Criteria: ACMG Guidelines, 2015. Collection method: clinical testing. Allele origin: unknown.

GeneDx
Classification: Uncertain significance. Last evaluated: 2016-06-01. Review status: criteria provided, single submitter. Criteria: GeneDx Variant Classification (06012015). Collection method: clinical testing. Allele origin: germline. Affected: yes.
Comment: A variant of uncertain significance has been identified in the DSP gene. The F379S variant has not been published as a pathogenic variant, nor has it been reported as a benign variant to our knowledge. The F379S variant was not observed in approximately 6,500 individuals of European and African American ancestry in the NHLBI Exome Sequencing Project, indicating it is not a common benign variant in these populations. The F379S variant is a non-conservative amino acid substitution, which is likely to impact secondary protein structure as these residues differ in polarity, charge, size and/or other properties. However, this substitution occurs at a position that is conserved only in mammals. Consequently, in silico analysis is inconsistent in its predictions as to whether or not the variant is damaging to the protein structure/function. Therefore, based on the currently available information, it is unclear whether this variant is pathogenic or rare benign.

NM_004415.4(DSP):c.1136T>C (p.Phe379Ser)

Gene: DSP (desmoplakin; plus strand). Cytogenetic location: 6p24.3.
Variant type: single nucleotide variant.
Coding change: c.1136T>C on transcript NM_004415.4 (MANE Select); coding-DNA position 1136, T replaced by C.
Protein change: p.Phe379Ser; replaces phenylalanine 379 with serine.
Molecular consequence: missense variant.
Genome position (GRCh38, 1-based): chr6:7,567,445, T>C. VCF-style: chr6-7567445-T-C. GRCh37 (hg19) VCF-style: chr6-7567678-T-C.
Other names: c.1136T>C (LRG_423t1, NM_004415.3); c.1136T>C, p.Phe379Ser (NM_001008844.3, NM_001319034.2); short protein forms F379S.
Identifiers: ClinVar variation 421357 (VCV000421357.16), dbSNP rs1064795084, ClinGen allele CA16618317.
Genomic context (GRCh38, chr6:7,567,445, plus strand): 5'-GTTGGATTCTTCAGATCACCAAGTGCATTGATGTTCATCTGAAAGAAAATGCTGCCTACT[T>C]TCAGGTTTTTATATTTAGTGATAATTTTGTTGTTATTTAGGTCTTAATACCTAATCTTTT-3'
Protein context (NP_004406.2, residues 369-389): DVHLKENAAY[Phe379Ser]QFFEEAQSTE